The following is an entry in ClinVar:

NM_002734.5(PRKAR1A):c.974-3C>T

Gene: PRKAR1A (protein kinase cAMP-dependent type I regulatory subunit alpha; plus strand). Cytogenetic location: 17q24.2.
Variant type: single nucleotide variant.
Coding change: c.974-3C>T on transcript NM_002734.5 (MANE Select); 3 bases into the intron before coding-DNA position 974, C replaced by T.
Molecular consequence: intron variant.
Genome position (GRCh38, 1-based): chr17:68,530,274, C>T. VCF-style: chr17-68530274-C-T. GRCh37 (hg19) VCF-style: chr17-66526415-C-T.
Other names: c.974-3C>T (NM_001278433.2, NM_001369389.1, NM_212471.3 and 3 more transcripts); c.973+273C>T (NM_001276290.1).
Identifiers: ClinVar variation 1768058 (VCV001768058.7), dbSNP rs2143389375, ClinGen allele CA2580095086.
Genomic context (GRCh38, chr17:68,530,274, plus strand): 5'-GCACTGCTTTAAGGAAATGTTTTTCATAGAAGTTAGCCTGTTACCCATCTTTGCTTTCTC[C>T]AGGTGAAATTGCACTACTGATGAATCGTCCTCGTGCTGCCACAGTTGTTGCTCGTGGCCC-3'

ClinVar aggregate classification (germline): Uncertain significance. Review status: criteria provided, multiple submitters, no conflicts (2 of 4 stars). 2 submissions from 2 submitters: Uncertain significance (2). Last evaluated 2026-01-05.

Conditions:
Hereditary cancer-predisposing syndrome. Also called: Hereditary Cancer Syndrome; Hereditary neoplastic syndrome; Neoplastic Syndromes, Hereditary; Tumor predisposition. Identifiers: Orphanet 140162, MedGen C0027672, MeSH D009386, MONDO:0015356.
Carney complex, type 1 (CNC1). Also called: CARNEY MYXOMA-ENDOCRINE COMPLEX; CARNEY COMPLEX, TYPE I. Identifiers: Orphanet 1359, MedGen C2607929, MONDO:0008057, OMIM 160980.

Submissions (3):

Labcorp Genetics (formerly Invitae), Labcorp
Classification: Uncertain significance for Carney complex, type 1. Last evaluated: 2026-01-05. Review status: criteria provided, single submitter. Criteria: Invitae Variant Classification Sherloc (09022015). Collection method: clinical testing. Allele origin: germline.
Comment: This sequence change falls in intron 10 of the PRKAR1A gene. It does not directly change the encoded amino acid sequence of the PRKAR1A protein. It affects a nucleotide within the consensus splice site. This variant is not present in population databases (gnomAD no frequency). This variant has not been reported in the literature in individuals affected with PRKAR1A-related conditions. ClinVar contains an entry for this variant (Variation ID: 1768058). Variants that disrupt the consensus splice site are a relatively common cause of aberrant splicing (PMID: 17576681, 9536098). Algorithms developed to predict the effect of sequence changes on RNA splicing suggest that this variant is not likely to affect RNA splicing. In summary, the available evidence is currently insufficient to determine the role of this variant in disease. Therefore, it has been classified as a Variant of Uncertain Significance.

Ambry Genetics
Classification: Uncertain significance for Hereditary cancer-predisposing syndrome. Last evaluated: 2024-11-07. Review status: criteria provided, single submitter. Criteria: Ambry Variant Classification Scheme 2023. Collection method: clinical testing. Allele origin: germline.
Comment: The c.974-3C>T intronic variant results from a C to T substitution 3 nucleotides upstream from coding exon 10 in the PRKAR1A gene. This nucleotide position is well conserved in available vertebrate species. In silico splice site analysis predicts that this alteration will not have any significant effect on splicing. Based on the available evidence, the clinical significance of this variant remains unclear.

Dr. Peter K. Rogan Lab, Western University
No classification provided (evidence only). Condition: Ovarian serous cystadenocarcinoma. Review status: no classification provided. Collection method: in vitro. Allele origin: not applicable. Functional consequence: retained intron. Not counted in ClinVar's aggregate classification.

Literature cited by the submitters: PubMed 17576681 (cited by Labcorp Genetics (formerly Invitae), Labcorp); PubMed 9536098 (cited by Labcorp Genetics (formerly Invitae), Labcorp).